The following is an entry in ClinVar:

NM_004807.3(HS6ST1):c.344C>G (p.Pro115Arg)

Gene: HS6ST1 (heparan sulfate 6-O-sulfotransferase 1; minus strand). Cytogenetic location: 2q14.3.
Variant type: single nucleotide variant.
Coding change: c.344C>G on transcript NM_004807.3 (MANE Select); coding-DNA position 344, C replaced by G.
Protein change: p.Pro115Arg; replaces proline 115 with arginine.
Molecular consequence: missense variant.
Genome position (GRCh38, 1-based): chr2:128,318,220, G>C on the plus strand (C>G on the coding strand, the complement: HS6ST1 is on the minus strand). VCF-style: chr2-128318220-G-C. GRCh37 (hg19) VCF-style: chr2-129075794-G-C.
Other names: short protein forms P115R.
Identifiers: ClinVar variation 4084570 (VCV004084570.8).

ClinVar aggregate classification (germline): Uncertain significance (1 of 4 stars; one submission).

Submission:

CeGaT Center for Human Genetics Tuebingen
Classification: Uncertain significance. Last evaluated: 2025-07-01. Review status: criteria provided, single submitter. Criteria: CeGaT Center For Human Genetics Tuebingen Variant Classification Criteria Version 2. Collection method: clinical testing. Allele origin: germline. Affected: yes. Observed: 1 variant allele.
Comment: HS6ST1: PP2